The following is an entry in ClinVar:

ClinVar aggregate classification (germline): Uncertain significance (1 of 4 stars; one submission).

Conditions:
Chuvash polycythemia. Also called: POLYCYTHEMIA, VHL-DEPENDENT. Identifiers: Orphanet 238557, MedGen C1837915, MONDO:0009892, OMIM 263400.
Von Hippel-Lindau syndrome (VHLS). Also called: von Hippel–Lindau syndrome; VHL syndrome; Von Hippel-Lindau. Identifiers: Orphanet 892, MedGen C0019562, MONDO:0008667, OMIM 193300. Disease mechanism: loss of function.

Submission:

Labcorp Genetics (formerly Invitae), Labcorp
Classification: Uncertain significance for Von Hippel-Lindau syndrome; Chuvash polycythemia. Last evaluated: 2025-10-13. Review status: criteria provided, single submitter. Criteria: Invitae Variant Classification Sherloc (09022015). Collection method: clinical testing. Allele origin: germline.
Comment: This sequence change falls in intron 1 of the VHL gene. It is not expected to change the encoded amino acid sequence of the VHL protein. However, this sequence change falls within a cryptic exon in the VHL gene, known as exon E1’, which is naturally expressed at low levels in several human tissues (PMID: 29891534). This variant is not present in population databases (gnomAD no frequency). This variant has not been reported in the literature in individuals affected with VHL-related conditions. Algorithms developed to predict the effect of sequence changes on RNA splicing suggest that this variant is not likely to affect RNA splicing. In summary, the available evidence is currently insufficient to determine the role of this variant in disease. Therefore, it has been classified as a Variant of Uncertain Significance.

Literature cited by the submitters: PubMed 29891534.

NM_000551.4(VHL):c.340+678G>A

Genes: VHL (von Hippel-Lindau tumor suppressor; plus strand), LOC107303340 (3p25 von Hippel-Lindau tumor suppressor, E3 ubiquitin protein ligase Alu-mediated recombination region; plus strand). Cytogenetic location: 3p25.3.
Variant type: single nucleotide variant.
Coding change: c.340+678G>A on transcript NM_000551.4 (MANE Select); 678 bases into the intron after coding-DNA position 340, G replaced by A.
Molecular consequence: intron variant. On other transcripts: missense variant (1), non-coding transcript variant (1).
Genome position (GRCh38, 1-based): chr3:10,142,865, G>A. VCF-style: chr3-10142865-G-A. GRCh37 (hg19) VCF-style: chr3-10184549-G-A.
Other names: c.443G>A, p.Gly148Asp (NM_001354723.2); c.340+678G>A (NM_198156.3); short protein forms G148D.
Identifiers: ClinVar variation 4793778 (VCV004793778.1).
Genomic context (GRCh38, chr3:10,142,865, plus strand): 5'-TCGTGGAGAACACATTCCTCCTGGGGAGACTGACAGATGCAAAGACAGGAACAAGCCAGG[G>A]TCATGTTGGCGCCGGAAGAGCCGACCGTGTGTGGCGTGGGAAATTGACTTACCTGCCTGC-3'